The following is an entry in ClinVar:

ClinVar aggregate classification (germline): Likely pathogenic (1 of 4 stars; one submission).

Conditions:
Fabry disease. Also called: ALPHA-GALACTOSIDASE A DEFICIENCY; ANDERSON-FABRY DISEASE; CERAMIDE TRIHEXOSIDASE DEFICIENCY; GLA DEFICIENCY; HEREDITARY DYSTOPIC LIPIDOSIS; Angiokeratoma corporis diffusum. Identifiers: Orphanet 324, MedGen C0002986, MONDO:0010526, OMIM 301500, HP:0001071. Disease mechanism: Fabry disease is due to inactivating mutations in the X-linked GLA gene resulting in deficiency of the enzyme Alpha Galactosidase-A., loss of function.

Submission:

Genomenon, Inc
Classification: Likely pathogenic for Fabry disease. Last evaluated: 2026-09-08. Review status: criteria provided, single submitter. Criteria: Genomenon Sequence Variant Interpretation Standards - Updated. Collection method: curation. Allele origin: germline. Affected: yes.
Comment: GLA p.Glu341Gly (c.1022A>G) is a missense variant that changes the amino acid at codon 341 from Glutamic acid to Glycine. This variant has been observed in at least one proband with clinical features consistent with Fabry disease (PMID:19265719;27560961;39609713;40692291). Functional or patient cell studies have been reported (PMID:27560961;39609713). The presence of pathogenic/likely pathogenic missense variant(s) at the same amino acid position indicates that this residue is likely important for protein function. It is absent or not present at a significant frequency in gnomAD. In silico models predict that this variant is possibly or probably damaging. In conclusion, we classify GLA p.Glu341Gly (c.1022A>G) as a likely pathogenic variant.

Literature cited by the submitters: PubMed 19265719; PubMed 27560961; PubMed 39609713; PubMed 40692291.

NM_000169.3(GLA):c.1022A>G (p.Glu341Gly)

Genes: GLA (galactosidase alpha; minus strand), RPL36A-HNRNPH2 (RPL36A-HNRNPH2 readthrough; plus strand). Cytogenetic location: Xq22.1.
Variant type: single nucleotide variant.
Coding change: c.1022A>G on transcript NM_000169.3 (MANE Select); coding-DNA position 1022, A replaced by G.
Protein change: p.Glu341Gly; replaces glutamic acid 341 with glycine.
Molecular consequence: missense variant. On other transcripts: non-coding transcript variant (3), intron variant (2).
Genome position (GRCh38, 1-based): chrX:101,398,077, T>C on the plus strand (A>G on the coding strand, the complement: GLA is on the minus strand). VCF-style: chrX-101398077-T-C. GRCh37 (hg19) VCF-style: chrX-100653065-T-C.
Other names: c.1145A>G, p.Glu382Gly (NM_001406747.1); c.300+2620T>C (NM_001199973.2); c.177+6255T>C (NM_001199974.2); short protein forms E341G, E382G.
Identifiers: ClinVar variation 4087619 (VCV004087619.2).
Genomic context (GRCh38, chrX:101,398,077, plus strand): 5'-CCACCAATCTCCTGCCGGTTTATCATAGCTACAGCCCAGGCTAAGCCTGAGAGAGGTCGT[T>C]CCCACACTTCAAAGTTGTCTCCCTGAAAAACCAAGAAAGTGTGGTTGCTTAGCAACTAGT-3'
Protein context (NP_000160.1, residues 331-351): LRQGDNFEVW[Glu341Gly]RPLSGLAWAV